The following is an entry in ClinVar:

NM_012414.4(RAB3GAP2):c.2264T>G (p.Met755Arg)

Gene: RAB3GAP2 (RAB3 GTPase activating non-catalytic protein subunit 2; minus strand). Cytogenetic location: 1q41.
Variant type: single nucleotide variant.
Coding change: c.2264T>G on transcript NM_012414.4 (MANE Select); coding-DNA position 2264, T replaced by G.
Protein change: p.Met755Arg; replaces methionine 755 with arginine.
Molecular consequence: missense variant.
Genome position (GRCh38, 1-based): chr1:220,182,303, A>C on the plus strand (T>G on the coding strand, the complement: RAB3GAP2 is on the minus strand). VCF-style: chr1-220182303-A-C. GRCh37 (hg19) VCF-style: chr1-220355645-A-C.
Other names: short protein forms M755R.
Identifiers: ClinVar variation 1522016 (VCV001522016.6), dbSNP rs1232753900, ClinGen allele CA344641660.
Genomic context (GRCh38, chr1:220,182,303, plus strand): 5'-CAAAAAAACCTTACCAACAACAGCTGAGGGCTAAGACCAGCCGACTCCAAAGTGTGACAC[A>C]TATCCTCAGTGGAGCTTTCTCCATGCAAACACTTCCAAAAAAAGAAACTACCTGGTAGAA-3'
Protein context (NP_036546.2, residues 745-765): CLHGESSTED[Met755Arg]CHTLESAGLS

ClinVar aggregate classification (germline): Uncertain significance (1 of 4 stars; one submission).

Conditions:
Martsolf syndrome (MARTS). Also called: Congenital cataract with intellectual disability and hypogonadotropic hypogonadism syndrome. Identifiers: Orphanet 1387, MedGen C0796037, MONDO:0023910.
Warburg micro syndrome 2 (WARBM2). Also called: MICRO SYNDROME 2. Identifiers: Orphanet 2510, MedGen C3280214, MONDO:0013641, OMIM 614225.

Allele frequency attached by ClinVar (database versions not stated): gnomAD 0.00001.
gnomAD v4.1: 4 of 1,614,024 alleles (0.00025%); highest among the groups gnomAD compares: Non-Finnish European, 0.00034%; no homozygotes.

Submission:

Labcorp Genetics (formerly Invitae), Labcorp
Classification: Uncertain significance for Martsolf syndrome; Warburg micro syndrome 2. Last evaluated: 2023-08-04. Review status: criteria provided, single submitter. Criteria: Invitae Variant Classification Sherloc (09022015). Collection method: clinical testing. Allele origin: germline.
Comment: Advanced modeling of protein sequence and biophysical properties (such as structural, functional, and spatial information, amino acid conservation, physicochemical variation, residue mobility, and thermodynamic stability) has been performed at Invitae for this missense variant, however the output from this modeling did not meet the statistical confidence thresholds required to predict the impact of this variant on RAB3GAP2 protein function. In summary, the available evidence is currently insufficient to determine the role of this variant in disease. Therefore, it has been classified as a Variant of Uncertain Significance. This variant is not present in population databases (gnomAD no frequency). This variant has not been reported in the literature in individuals affected with RAB3GAP2-related conditions. ClinVar contains an entry for this variant (Variation ID: 1522016). This sequence change replaces methionine, which is neutral and non-polar, with arginine, which is basic and polar, at codon 755 of the RAB3GAP2 protein (p.Met755Arg).